The following is an entry in ClinVar:

NM_018979.4(WNK1):c.5100C>G (p.Ser1700Arg)

Gene: WNK1 (WNK lysine deficient protein kinase 1; plus strand). Cytogenetic location: 12p13.33.
Variant type: single nucleotide variant.
Coding change: c.5100C>G on transcript NM_018979.4 (MANE Select); coding-DNA position 5100, C replaced by G.
Protein change: p.Ser1700Arg; replaces serine 1700 with arginine.
Molecular consequence: missense variant.
Genome position (GRCh38, 1-based): chr12:885,904, C>G. VCF-style: chr12-885904-C-G. GRCh37 (hg19) VCF-style: chr12-995070-C-G.
Other names: c.5880C>G, p.Ser1960Arg (NM_001184985.2); c.4359C>G, p.Ser1453Arg (NM_014823.3); c.5856C>G, p.Ser1952Arg (NM_213655.5); short protein forms S1453R, S1700R, S1952R, S1960R.
Identifiers: ClinVar variation 1062062 (VCV001062062.11), dbSNP rs763331677, ClinGen allele CA6383067.

ClinVar aggregate classification (germline): Uncertain significance. Review status: criteria provided, multiple submitters, no conflicts (2 of 4 stars). 2 submissions from 2 submitters: Uncertain significance (2). Last evaluated 2022-03-18.

Conditions:
Inborn genetic diseases. Identifiers: MedGen C0950123, MeSH D030342.
Neuropathy, hereditary sensory and autonomic, type 2A (HSAN2A). Also called: MORVAN DISEASE; NEUROPATHY, CONGENITAL SENSORY; NEUROPATHY, HEREDITARY SENSORY RADICULAR, AUTOSOMAL RECESSIVE; NEUROPATHY, HEREDITARY SENSORY, TYPE IIA; NEUROPATHY, PROGRESSIVE SENSORY, OF CHILDREN; WNK1-Related HSAN2 (HSAN2A). Identifiers: Orphanet 970, MedGen C2752089, MONDO:0024309, OMIM 201300.
Pseudohypoaldosteronism type 2C (PHA2C). Also called: Pseudohypoaldosteronism Type IIC. Identifiers: Orphanet 757, Orphanet 88940, MedGen C1840391, MONDO:0013778, OMIM 614492.

Allele frequency attached by ClinVar (database versions not stated): TOPMed below 0.00001; gnomAD 0.00001; gnomAD exomes 0.00001 and 0.00002; ExAC 0.00002.
gnomAD v4.1: 19 of 1,608,802 alleles (0.0012%); highest among the groups gnomAD compares: Non-Finnish European, 0.00025%; no homozygotes.

Submissions (2):

Labcorp Genetics (formerly Invitae), Labcorp
Classification: Uncertain significance for Neuropathy, hereditary sensory and autonomic, type 2A; Pseudohypoaldosteronism type 2C. Last evaluated: 2022-03-18. Review status: criteria provided, single submitter. Criteria: Invitae Variant Classification Sherloc (09022015). Collection method: clinical testing. Allele origin: germline.
Comment: In summary, the available evidence is currently insufficient to determine the role of this variant in disease. Therefore, it has been classified as a Variant of Uncertain Significance. Advanced modeling of protein sequence and biophysical properties (such as structural, functional, and spatial information, amino acid conservation, physicochemical variation, residue mobility, and thermodynamic stability) performed at Invitae indicates that this missense variant is not expected to disrupt WNK1 protein function. ClinVar contains an entry for this variant (Variation ID: 1062062). This variant has not been reported in the literature in individuals affected with WNK1-related conditions. This variant is present in population databases (rs763331677, gnomAD 0.05%). This sequence change replaces serine, which is neutral and polar, with arginine, which is basic and polar, at codon 1952 of the WNK1 protein (p.Ser1952Arg).

Ambry Genetics
Classification: Uncertain significance for Inborn genetic diseases. Last evaluated: 2022-02-26. Review status: criteria provided, single submitter. Criteria: Ambry Variant Classification Scheme 2023. Collection method: clinical testing. Allele origin: germline.
Comment: The p.S1952R variant (also known as c.5856C>G), located in coding exon 19 of the WNK1 gene, results from a C to G substitution at nucleotide position 5856. The serine at codon 1952 is replaced by arginine, an amino acid with dissimilar properties. This amino acid position is not well conserved in available vertebrate species. In addition, this alteration is predicted to be tolerated by in silico analysis. Since supporting evidence is limited at this time, the clinical significance of this alteration remains unclear.